The following is an entry in ClinVar:

NM_001252024.2(TRPM1):c.2608G>A (p.Val870Ile)

Genes: TRPM1-AS1 (TRPM1 antisense RNA 1; plus strand), TRPM1 (transient receptor potential cation channel subfamily M member 1; minus strand). Cytogenetic location: 15q13.3.
Variant type: single nucleotide variant.
Coding change: c.2608G>A on transcript NM_001252024.2 (MANE Select); coding-DNA position 2608, G replaced by A.
Protein change: p.Val870Ile; replaces valine 870 with isoleucine.
Molecular consequence: missense variant.
Genome position (GRCh38, 1-based): chr15:31,035,638, C>T on the plus strand (G>A on the coding strand, the complement: TRPM1 is on the minus strand). VCF-style: chr15-31035638-C-T. GRCh37 (hg19) VCF-style: chr15-31327841-C-T.
Other names: c.2659G>A, p.Val887Ile (NM_001252020.2); c.2542G>A, p.Val848Ile (NM_002420.6); c.2542G>A (NM_002420.4); short protein forms V848I, V887I, V870I.
Identifiers: ClinVar variation 1035057 (VCV001035057.7), dbSNP rs777266321, ClinGen allele CA7452129.

ClinVar aggregate classification (germline): Uncertain significance. Review status: criteria provided, multiple submitters, no conflicts (2 of 4 stars). 2 submissions from 2 submitters: Uncertain significance (2). Last evaluated 2025-04-03.

Conditions:
Inborn genetic diseases. Identifiers: MedGen C0950123, MeSH D030342.

Allele frequency attached by ClinVar (database versions not stated): gnomAD 0.00005 and 0.00004; gnomAD exomes 0.00003; TOPMed 0.00003; ExAC 0.00005.

Submissions (2):

Ambry Genetics
Classification: Uncertain significance for Inborn genetic diseases. Last evaluated: 2025-04-03. Review status: criteria provided, single submitter. Criteria: Ambry Variant Classification Scheme 2023. Collection method: clinical testing. Allele origin: germline.

Labcorp Genetics (formerly Invitae), Labcorp
Classification: Uncertain significance. Last evaluated: 2022-10-05. Review status: criteria provided, single submitter. Criteria: Invitae Variant Classification Sherloc (09022015). Collection method: clinical testing. Allele origin: germline.
Comment: In summary, the available evidence is currently insufficient to determine the role of this variant in disease. Therefore, it has been classified as a Variant of Uncertain Significance. Advanced modeling of protein sequence and biophysical properties (such as structural, functional, and spatial information, amino acid conservation, physicochemical variation, residue mobility, and thermodynamic stability) performed at Invitae indicates that this missense variant is not expected to disrupt TRPM1 protein function. ClinVar contains an entry for this variant (Variation ID: 1035057). This variant has not been reported in the literature in individuals affected with TRPM1-related conditions. This variant is present in population databases (rs777266321, gnomAD 0.007%). This sequence change replaces valine, which is neutral and non-polar, with isoleucine, which is neutral and non-polar, at codon 848 of the TRPM1 protein (p.Val848Ile).